The following is an entry in ClinVar:

NM_000208.4(INSR):c.2126G>A (p.Cys709Tyr)

Gene: INSR (insulin receptor; minus strand). Cytogenetic location: 19p13.2.
Variant type: single nucleotide variant.
Coding change: c.2126G>A on transcript NM_000208.4 (MANE Select); coding-DNA position 2126, G replaced by A.
Protein change: p.Cys709Tyr; replaces cysteine 709 with tyrosine.
Molecular consequence: missense variant.
Genome position (GRCh38, 1-based): chr19:7,152,831, C>T on the plus strand (G>A on the coding strand, the complement: INSR is on the minus strand). VCF-style: chr19-7152831-C-T. GRCh37 (hg19) VCF-style: chr19-7152842-C-T.
Other names: c.2126G>A, p.Cys709Tyr (NM_001079817.3); short protein forms C709Y.
Identifiers: ClinVar variation 2128375 (VCV002128375.4), dbSNP rs2512334625, ClinGen allele CA403664537.

ClinVar aggregate classification (germline): Uncertain significance (1 of 4 stars; one submission).

Submission:

Labcorp Genetics (formerly Invitae), Labcorp
Classification: Uncertain significance. Last evaluated: 2023-08-04. Review status: criteria provided, single submitter. Criteria: Invitae Variant Classification Sherloc (09022015). Collection method: clinical testing. Allele origin: germline.
Comment: This sequence change replaces cysteine, which is neutral and slightly polar, with tyrosine, which is neutral and polar, at codon 709 of the INSR protein (p.Cys709Tyr). This variant is not present in population databases (gnomAD no frequency). This variant has not been reported in the literature in individuals affected with INSR-related conditions. ClinVar contains an entry for this variant (Variation ID: 2128375). Advanced modeling of protein sequence and biophysical properties (such as structural, functional, and spatial information, amino acid conservation, physicochemical variation, residue mobility, and thermodynamic stability) has been performed at Invitae for this missense variant, however the output from this modeling did not meet the statistical confidence thresholds required to predict the impact of this variant on INSR protein function. In summary, the available evidence is currently insufficient to determine the role of this variant in disease. Therefore, it has been classified as a Variant of Uncertain Significance.